The following is an entry in ClinVar:

ClinVar aggregate classification (germline): Uncertain significance (1 of 4 stars; one submission).

Conditions:
Inclusion body myopathy with early-onset Paget disease with or without frontotemporal dementia 2 (IBMPFD2). Also called: MULTISYSTEM PROTEINOPATHY 2. Identifiers: MedGen C3809468, MONDO:0014178, OMIM 615422.

gnomAD v4.1: 4 of 1,610,128 alleles (0.00025%); highest among the groups gnomAD compares: Non-Finnish European, 0.00034%; no homozygotes.

Submission:

Labcorp Genetics (formerly Invitae), Labcorp
Classification: Uncertain significance for Inclusion body myopathy with early-onset Paget disease with or without frontotemporal dementia 2. Last evaluated: 2025-10-29. Review status: criteria provided, single submitter. Criteria: Invitae Variant Classification Sherloc (09022015). Collection method: clinical testing. Allele origin: germline.
Comment: This sequence change replaces asparagine, which is neutral and polar, with serine, which is neutral and polar, at codon 294 of the HNRNPA2B1 protein (p.Asn294Ser). This variant is not present in population databases (gnomAD no frequency). This variant has not been reported in the literature in individuals affected with HNRNPA2B1-related conditions. An algorithm developed to predict the effect of missense changes on protein structure and function (PolyPhen-2) suggests that this variant is likely to be tolerated. In summary, the available evidence is currently insufficient to determine the role of this variant in disease. Therefore, it has been classified as a Variant of Uncertain Significance.

NM_002137.4(HNRNPA2B1):c.845A>G (p.Asn282Ser)

Gene: HNRNPA2B1 (heterogeneous nuclear ribonucleoprotein A2/B1; minus strand). Cytogenetic location: 7p15.2.
Variant type: single nucleotide variant.
Coding change: c.845A>G on transcript NM_002137.4 (MANE Select); coding-DNA position 845, A replaced by G.
Protein change: p.Asn282Ser; replaces asparagine 282 with serine.
Molecular consequence: missense variant.
Genome position (GRCh38, 1-based): chr7:26,193,370, T>C on the plus strand (A>G on the coding strand, the complement: HNRNPA2B1 is on the minus strand). VCF-style: chr7-26193370-T-C. GRCh37 (hg19) VCF-style: chr7-26232990-T-C.
Other names: c.845A>G, p.Asn282Ser (NM_001438063.1, NM_001438571.1, NM_001438572.1); c.881A>G, p.Asn294Ser (NM_001438568.1, NM_001438569.1, NM_001438570.1 and 1 more transcripts); c.761A>G, p.Asn254Ser (NM_001438573.1, NM_001438574.1); c.725A>G, p.Asn242Ser (NM_001438575.1, NM_001438576.1, NM_001438577.1 and 1 more transcripts); short protein forms N242S, N254S, N282S, N294S.
Identifiers: ClinVar variation 4805059 (VCV004805059.1).